The following is an entry in ClinVar:

NM_001267550.2(TTN):c.72278C>T (p.Thr24093Ile)

Genes: TTN (titin; minus strand), TTN-AS1 (TTN antisense RNA 1; plus strand). Cytogenetic location: 2q31.2.
Variant type: single nucleotide variant.
Coding change: c.72278C>T on transcript NM_001267550.2 (MANE Select); coding-DNA position 72278, C replaced by T.
Protein change: p.Thr24093Ile; replaces threonine 24093 with isoleucine.
Molecular consequence: missense variant.
Genome position (GRCh38, 1-based): chr2:178,573,854, G>A on the plus strand (C>T on the coding strand, the complement: TTN is on the minus strand). VCF-style: chr2-178573854-G-A. GRCh37 (hg19) VCF-style: chr2-179438581-G-A.
Other names: c.67355C>T, p.Thr22452Ile (NM_001256850.1); c.45083C>T, p.Thr15028Ile (NM_003319.4); c.64574C>T, p.Thr21525Ile (NM_133378.4); c.45458C>T, p.Thr15153Ile (NM_133432.3); c.45659C>T, p.Thr15220Ile (NM_133437.4); short protein forms T24093I, T15028I, T15153I, T15220I, T21525I, T22452I.
Identifiers: ClinVar variation 2573864 (VCV002573864.2), dbSNP rs777900528, ClinGen allele CA1990523.

ClinVar aggregate classification (germline): Uncertain significance (1 of 4 stars; one submission).

Allele frequency attached by ClinVar (database versions not stated): gnomAD exomes below 0.00001; ExAC 0.00001; gnomAD 0.00001; TOPMed 0.00003.
gnomAD v4.1: 5 of 1,611,252 alleles (0.00031%); highest among the groups gnomAD compares: African/African-American, 0.0053%; no homozygotes.

Submission:

GeneDx
Classification: Uncertain significance. Last evaluated: 2024-09-05. Review status: criteria provided, single submitter. Criteria: GeneDx Variant Classification Process June 2021. Collection method: clinical testing. Allele origin: germline.
Comment: Not observed at significant frequency in large population cohorts (gnomAD); Missense variant in a gene in which most reported pathogenic variants are truncating/loss of function; Has not been previously published as pathogenic or benign to our knowledge